The following is an entry in ClinVar:

NM_004168.4(SDHA):c.1367C>G (p.Ser456Trp)

Gene: SDHA (succinate dehydrogenase complex flavoprotein subunit A; plus strand). Cytogenetic location: 5p15.33.
Variant type: single nucleotide variant.
Coding change: c.1367C>G on transcript NM_004168.4 (MANE Select); coding-DNA position 1367, C replaced by G.
Protein change: p.Ser456Trp; replaces serine 456 with tryptophan.
Molecular consequence: missense variant.
Genome position (GRCh38, 1-based): chr5:236,534, C>G. VCF-style: chr5-236534-C-G. GRCh37 (hg19) VCF-style: chr5-236649-C-G.
Other names: c.1223C>G, p.Ser408Trp (NM_001294332.2); c.1367C>G, p.Ser456Trp (NM_001330758.2); short protein forms S408W, S456W.
Identifiers: ClinVar variation 2567104 (VCV002567104.6), dbSNP rs76896145, ClinGen allele CA359014014.

ClinVar aggregate classification (germline): Uncertain significance. Review status: criteria provided, multiple submitters, no conflicts (2 of 4 stars). 2 submissions from 2 submitters: Uncertain significance (2). Last evaluated 2026-01-29.

Conditions:
Mitochondrial complex II deficiency, nuclear type 1. Also called: SUCCINATE CoQ REDUCTASE DEFICIENCY. Identifiers: Orphanet 3208, MedGen C5700310, MONDO:0100294, OMIM 252011.
Pheochromocytoma/paraganglioma syndrome 5. Also called: Paragangliomas 5; SDHA-Related Hereditary Paraganglioma-Pheochromocytoma Syndrome. Identifiers: Orphanet 29072, MedGen C3279992, MONDO:0013602, OMIM 614165.
Hereditary cancer-predisposing syndrome. Also called: Neoplastic Syndromes, Hereditary; Tumor predisposition; Hereditary Cancer Syndrome; Hereditary neoplastic syndrome. Identifiers: Orphanet 140162, MedGen C0027672, MeSH D009386, MONDO:0015356.

Submissions (2):

Ambry Genetics
Classification: Uncertain significance for Hereditary cancer-predisposing syndrome. Last evaluated: 2026-01-29. Review status: criteria provided, single submitter. Criteria: Ambry Variant Classification Scheme 2023. Collection method: clinical testing. Allele origin: germline.
Comment: The p.S456W variant (also known as c.1367C>G), located in coding exon 10 of the SDHA gene, results from a C to G substitution at nucleotide position 1367. The serine at codon 456 is replaced by tryptophan, an amino acid with highly dissimilar properties. This amino acid position is highly conserved in available vertebrate species. In addition, this alteration is predicted to be deleterious by in silico analysis. Based on the available evidence, the clinical significance of this variant remains unclear.

Labcorp Genetics (formerly Invitae), Labcorp
Classification: Uncertain significance for Pheochromocytoma/paraganglioma syndrome 5; Mitochondrial complex II deficiency, nuclear type 1. Last evaluated: 2024-08-15. Review status: criteria provided, single submitter. Criteria: Invitae Variant Classification Sherloc (09022015). Collection method: clinical testing. Allele origin: germline.
Comment: This sequence change replaces serine, which is neutral and polar, with tryptophan, which is neutral and slightly polar, at codon 456 of the SDHA protein (p.Ser456Trp). This variant is not present in population databases (gnomAD no frequency). This variant has not been reported in the literature in individuals affected with SDHA-related conditions. ClinVar contains an entry for this variant (Variation ID: 2567104). Invitae Evidence Modeling of protein sequence and biophysical properties (such as structural, functional, and spatial information, amino acid conservation, physicochemical variation, residue mobility, and thermodynamic stability) has been performed for this missense variant. However, the output from this modeling did not meet the statistical confidence thresholds required to predict the impact of this variant on SDHA protein function. In summary, the available evidence is currently insufficient to determine the role of this variant in disease. Therefore, it has been classified as a Variant of Uncertain Significance.